The following is an entry in ClinVar:

ClinVar aggregate classification (germline): Uncertain significance (1 of 4 stars; one submission).

Conditions:
Progressive microcephaly-seizures-cortical blindness-developmental delay syndrome. Also called: Seizures, cortical blindness, and microcephaly syndrome. Identifiers: Orphanet 477814, MedGen C5567650, MONDO:0014714, OMIM 616632.
Autosomal dominant nonsyndromic hearing loss 1. Also called: DEAFNESS, AUTOSOMAL DOMINANT 1, WITH OR WITHOUT THROMBOCYTOPENIA; KONIGSMARK SYNDROME. Identifiers: Orphanet 90635, MedGen C1852282, MONDO:0007424, OMIM 124900.

Allele frequency attached by ClinVar (database versions not stated): gnomAD exomes below 0.00001; TOPMed 0.00001.
gnomAD v4.1: 2 of 1,613,152 alleles (0.00012%); highest among the groups gnomAD compares: Middle Eastern, 0.017%; no homozygotes.

Submission:

Labcorp Genetics (formerly Invitae), Labcorp
Classification: Uncertain significance for Progressive microcephaly-seizures-cortical blindness-developmental delay syndrome; Autosomal dominant nonsyndromic hearing loss 1. Last evaluated: 2022-08-16. Review status: criteria provided, single submitter. Criteria: Invitae Variant Classification Sherloc (09022015). Collection method: clinical testing. Allele origin: germline.
Comment: In summary, the available evidence is currently insufficient to determine the role of this variant in disease. Therefore, it has been classified as a Variant of Uncertain Significance. Algorithms developed to predict the effect of missense changes on protein structure and function are either unavailable or do not agree on the potential impact of this missense change (SIFT: "Deleterious"; PolyPhen-2: "Not Available"; Align-GVGD: "Class C0"). ClinVar contains an entry for this variant (Variation ID: 1463393). This variant has not been reported in the literature in individuals affected with DIAPH1-related conditions. This variant is not present in population databases (gnomAD no frequency). This sequence change replaces cysteine, which is neutral and slightly polar, with tyrosine, which is neutral and polar, at codon 437 of the DIAPH1 protein (p.Cys437Tyr).

NM_005219.5(DIAPH1):c.1310G>A (p.Cys437Tyr)

Gene: DIAPH1 (diaphanous related formin 1; minus strand). Cytogenetic location: 5q31.3.
Variant type: single nucleotide variant.
Coding change: c.1310G>A on transcript NM_005219.5 (MANE Select); coding-DNA position 1310, G replaced by A.
Protein change: p.Cys437Tyr; replaces cysteine 437 with tyrosine.
Molecular consequence: missense variant.
Genome position (GRCh38, 1-based): chr5:141,576,842, C>T on the plus strand (G>A on the coding strand, the complement: DIAPH1 is on the minus strand). VCF-style: chr5-141576842-C-T. GRCh37 (hg19) VCF-style: chr5-140956409-C-T.
Other names: c.1283G>A, p.Cys428Tyr (NM_001079812.3); c.1310G>A, p.Cys437Tyr (NM_001314007.2); short protein forms C437Y, C428Y.
Identifiers: ClinVar variation 1463393 (VCV001463393.8), dbSNP rs2099896035, ClinGen allele CA361528103.